The following is an entry in ClinVar:

ClinVar aggregate classification (germline): Uncertain significance (1 of 4 stars; one submission).

Submission:

GeneDx
Classification: Uncertain significance. Last evaluated: 2022-02-14. Review status: criteria provided, single submitter. Criteria: GeneDx Variant Classification Process June 2021. Collection method: clinical testing. Allele origin: germline. Affected: yes.
Comment: Not observed at significant frequency in large population cohorts (gnomAD); In silico analysis supports that this missense variant has a deleterious effect on protein structure/function; Has not been previously published as pathogenic or benign to our knowledge

NM_022124.6(CDH23):c.3608A>G (p.Asp1203Gly)

Genes: C10orf105 (chromosome 10 open reading frame 105; minus strand), CDH23 (cadherin related 23; plus strand). Cytogenetic location: 10q22.1.
Variant type: single nucleotide variant.
Coding change: c.3608A>G on transcript NM_022124.6 (MANE Select); coding-DNA position 3608, A replaced by G.
Protein change: p.Asp1203Gly; replaces aspartic acid 1203 with glycine.
Molecular consequence: missense variant. On other transcripts: intron variant (1).
Genome position (GRCh38, 1-based): chr10:71,730,497, A>G. VCF-style: chr10-71730497-A-G. GRCh37 (hg19) VCF-style: chr10-73490254-A-G.
Other names: c.3608A>G, p.Asp1203Gly (NM_001171930.2); c.-6+7231T>C (NM_001168390.2); short protein forms D1203G.
Identifiers: ClinVar variation 1700851 (VCV001700851.2), dbSNP rs1037388402, ClinGen allele CA377154346.